The following is an entry in ClinVar:

NM_002103.5(GYS1):c.176G>A (p.Gly59Asp)

Gene: GYS1 (glycogen synthase 1; minus strand). Cytogenetic location: 19q13.33.
Variant type: single nucleotide variant.
Coding change: c.176G>A on transcript NM_002103.5 (MANE Select); coding-DNA position 176, G replaced by A.
Protein change: p.Gly59Asp; replaces glycine 59 with aspartic acid.
Molecular consequence: missense variant.
Genome position (GRCh38, 1-based): chr19:48,991,426, C>T on the plus strand (G>A on the coding strand, the complement: GYS1 is on the minus strand). VCF-style: chr19-48991426-C-T. GRCh37 (hg19) VCF-style: chr19-49494683-C-T.
Other names: c.176G>A (NM_002103.4); c.176G>A, p.Gly59Asp (NM_001161587.2); short protein forms G59D.
Identifiers: ClinVar variation 2139836 (VCV002139836.5), dbSNP rs977801658, ClinGen allele CA309404388.
Genomic context (GRCh38, chr19:48,991,426, plus strand): 5'-AGTTCCACCTGGGTCCTCACGCCCTGCTCCGTGTACGGCCCCACCAGGAAGTAGTTGTCG[C>T]CCCATTCGTCCCCTGTCACCTTCGCCTTCGTCTGCAGCACCGTGTAGATGCCACCCACTG-3'
Protein context (NP_002094.2, residues 49-69): TKAKVTGDEW[Gly59Asp]DNYFLVGPYT

ClinVar aggregate classification (germline): Uncertain significance. Review status: criteria provided, multiple submitters, no conflicts (2 of 4 stars). 2 submissions from 2 submitters: Uncertain significance (2). Last evaluated 2025-08-01.

Conditions:
Inborn genetic diseases. Identifiers: MedGen C0950123, MeSH D030342.
Glycogen storage disease due to muscle and heart glycogen synthase deficiency. Also called: GSD 0b; MUSCLE GLYCOGEN SYNTHASE DEFICIENCY. Identifiers: Orphanet 137625, MedGen C1969054, MONDO:0012693, OMIM 611556.

gnomAD v4.1: 1 of 1,614,172 alleles (0.000062%); no homozygotes.

Submissions (2):

Ambry Genetics
Classification: Uncertain significance for Inborn genetic diseases. Last evaluated: 2025-08-01. Review status: criteria provided, single submitter. Criteria: Ambry Variant Classification Scheme 2023. Collection method: clinical testing. Allele origin: germline.

Labcorp Genetics (formerly Invitae), Labcorp
Classification: Uncertain significance for Glycogen storage disease due to muscle and heart glycogen synthase deficiency. Last evaluated: 2023-12-09. Review status: criteria provided, single submitter. Criteria: Invitae Variant Classification Sherloc (09022015). Collection method: clinical testing. Allele origin: germline.
Comment: This sequence change replaces glycine, which is neutral and non-polar, with aspartic acid, which is acidic and polar, at codon 59 of the GYS1 protein (p.Gly59Asp). This variant is not present in population databases (gnomAD no frequency). This variant has not been reported in the literature in individuals affected with GYS1-related conditions. ClinVar contains an entry for this variant (Variation ID: 2139836). Advanced modeling of protein sequence and biophysical properties (such as structural, functional, and spatial information, amino acid conservation, physicochemical variation, residue mobility, and thermodynamic stability) performed at Invitae indicates that this missense variant is not expected to disrupt GYS1 protein function with a negative predictive value of 80%. In summary, the available evidence is currently insufficient to determine the role of this variant in disease. Therefore, it has been classified as a Variant of Uncertain Significance.